The following is an entry in ClinVar:

NM_152383.5(DIS3L2):c.1336A>G (p.Arg446Gly)

Gene: DIS3L2 (DIS3 like 3'-5' exoribonuclease 2; plus strand). Cytogenetic location: 2q37.1.
Variant type: single nucleotide variant.
Coding change: c.1336A>G on transcript NM_152383.5 (MANE Select); coding-DNA position 1336, A replaced by G.
Protein change: p.Arg446Gly; replaces arginine 446 with glycine.
Molecular consequence: missense variant. On other transcripts: non-coding transcript variant (2).
Genome position (GRCh38, 1-based): chr2:232,249,257, A>G. VCF-style: chr2-232249257-A-G. GRCh37 (hg19) VCF-style: chr2-233113967-A-G.
Other names: c.1336A>G, p.Arg446Gly (NM_001257281.2); short protein forms R446G.
Identifiers: ClinVar variation 944434 (VCV000944434.10), dbSNP rs1216357577, ClinGen allele CA351155388.

ClinVar aggregate classification (germline): Uncertain significance (1 of 4 stars; one submission).

Conditions:
Perlman syndrome (PRLMNS). Identifiers: Orphanet 2849, MedGen C0796113, MONDO:0009965, OMIM 267000.

Allele frequency attached by ClinVar (database versions not stated): gnomAD exomes below 0.00001; gnomAD 0.00001; 1000 Genomes Project 30x 0.00016.

Submission:

Labcorp Genetics (formerly Invitae), Labcorp
Classification: Uncertain significance for Perlman syndrome. Last evaluated: 2023-01-08. Review status: criteria provided, single submitter. Criteria: Invitae Variant Classification Sherloc (09022015). Collection method: clinical testing. Allele origin: germline.
Comment: In summary, the available evidence is currently insufficient to determine the role of this variant in disease. Therefore, it has been classified as a Variant of Uncertain Significance. Advanced modeling of protein sequence and biophysical properties (such as structural, functional, and spatial information, amino acid conservation, physicochemical variation, residue mobility, and thermodynamic stability) performed at Invitae indicates that this missense variant is not expected to disrupt DIS3L2 protein function. ClinVar contains an entry for this variant (Variation ID: 944434). This variant has not been reported in the literature in individuals affected with DIS3L2-related conditions. This variant is present in population databases (no rsID available, gnomAD 0.003%). This sequence change replaces arginine, which is basic and polar, with glycine, which is neutral and non-polar, at codon 446 of the DIS3L2 protein (p.Arg446Gly).